The following is an entry in ClinVar:

NM_016004.5(IFT52):c.401G>A (p.Gly134Glu)

Gene: IFT52 (intraflagellar transport 52; plus strand). Cytogenetic location: 20q13.12.
Variant type: single nucleotide variant.
Coding change: c.401G>A on transcript NM_016004.5 (MANE Select); coding-DNA position 401, G replaced by A.
Protein change: p.Gly134Glu; replaces glycine 134 with glutamic acid.
Molecular consequence: missense variant. On other transcripts: 5 prime UTR variant (4).
Genome position (GRCh38, 1-based): chr20:43,604,246, G>A. VCF-style: chr20-43604246-G-A. GRCh37 (hg19) VCF-style: chr20-42232886-G-A.
Other names: c.401G>A, p.Gly134Glu (NM_001303458.3, NM_001303459.3); c.-271G>A (NM_001323578.2, NM_001323580.2); c.-364G>A (NM_001323579.2, NM_001323581.2); short protein forms G134E.
Identifiers: ClinVar variation 3108406 (VCV003108406.2), dbSNP rs750068068, ClinGen allele CA9866854.

ClinVar aggregate classification (germline): Uncertain significance. Review status: criteria provided, multiple submitters, no conflicts (2 of 4 stars). 2 submissions from 2 submitters: Uncertain significance (2). Last evaluated 2025-10-29.

Allele frequency attached by ClinVar (database versions not stated): gnomAD 0.00001; TOPMed 0.00003; gnomAD exomes 0.00004; ExAC 0.00014.
gnomAD v4.1: 67 of 1,609,416 alleles (0.0042%); highest among the groups gnomAD compares: Non-Finnish European, 0.0046%; no homozygotes.

Submissions (2):

Labcorp Genetics (formerly Invitae), Labcorp
Classification: Uncertain significance. Last evaluated: 2025-10-29. Review status: criteria provided, single submitter. Criteria: Invitae Variant Classification Sherloc (09022015). Collection method: clinical testing. Allele origin: germline.
Comment: This sequence change replaces glycine, which is neutral and non-polar, with glutamic acid, which is acidic and polar, at codon 134 of the IFT52 protein (p.Gly134Glu). This variant is present in population databases (rs750068068, gnomAD 0.02%). This variant has not been reported in the literature in individuals affected with IFT52-related conditions. ClinVar contains an entry for this variant (Variation ID: 3108406). Invitae Evidence Modeling of protein sequence and biophysical properties (such as structural, functional, and spatial information, amino acid conservation, physicochemical variation, residue mobility, and thermodynamic stability) indicates that this missense variant is expected to disrupt IFT52 protein function with a positive predictive value of 80%. In summary, the available evidence is currently insufficient to determine the role of this variant in disease. Therefore, it has been classified as a Variant of Uncertain Significance.

Ambry Genetics
Classification: Uncertain significance. Last evaluated: 2023-11-06. Review status: criteria provided, single submitter. Criteria: Ambry Variant Classification Scheme 2023. Collection method: clinical testing. Allele origin: germline.